The following is an entry in ClinVar:

NM_001903.5(CTNNA1):c.305A>G (p.Asp102Gly)

Gene: CTNNA1 (catenin alpha 1; plus strand). Cytogenetic location: 5q31.2.
Variant type: single nucleotide variant.
Coding change: c.305A>G on transcript NM_001903.5 (MANE Select); coding-DNA position 305, A replaced by G.
Protein change: p.Asp102Gly; replaces aspartic acid 102 with glycine.
Molecular consequence: missense variant. On other transcripts: 5 prime UTR variant (1), intron variant (1).
Genome position (GRCh38, 1-based): chr5:138,810,041, A>G. VCF-style: chr5-138810041-A-G. GRCh37 (hg19) VCF-style: chr5-138145730-A-G.
Other names: c.305A>G, p.Asp102Gly (NM_001290307.3, NM_001323982.2, NM_001323983.1 and 3 more transcripts); c.-5A>G (NM_001290309.3); c.-5-60A>G (NM_001290310.3); short protein forms D102G.
Identifiers: ClinVar variation 3837150 (VCV003837150.1).

ClinVar aggregate classification (germline): Uncertain significance (1 of 4 stars; one submission).

Conditions:
Hereditary cancer-predisposing syndrome. Also called: Hereditary neoplastic syndrome; Neoplastic Syndromes, Hereditary; Tumor predisposition; Hereditary Cancer Syndrome. Identifiers: Orphanet 140162, MedGen C0027672, MeSH D009386, MONDO:0015356.

Submission:

Ambry Genetics
Classification: Uncertain significance for Hereditary cancer-predisposing syndrome. Last evaluated: 2025-02-08. Review status: criteria provided, single submitter. Criteria: Ambry Variant Classification Scheme 2023. Collection method: clinical testing. Allele origin: germline.
Comment: The p.D102G variant (also known as c.305A>G), located in coding exon 3 of the CTNNA1 gene, results from an A to G substitution at nucleotide position 305. The aspartic acid at codon 102 is replaced by glycine, an amino acid with similar properties. This amino acid position is conserved. In addition, this alteration is predicted to be tolerated by in silico analysis. Based on the available evidence, the clinical significance of this variant remains unclear.